The following is an entry in ClinVar:

ClinVar aggregate classification (germline): Benign. Review status: criteria provided, multiple submitters, no conflicts (2 of 4 stars). 2 submissions from 2 submitters: Benign (2). Last evaluated 2026-08-01.

Allele frequency attached by ClinVar (database versions not stated): gnomAD 0.00769 and 0.00770; TOPMed 0.00781; gnomAD exomes 0.00899; 1000 Genomes Project 0.00619; 1000 Genomes Project 30x 0.00671.
gnomAD v4.1: 3,419 of 398,654 alleles (0.86%); highest among the groups gnomAD compares: Admixed American, 1.1%; 20 homozygotes.

Submissions (2):

CeGaT Center for Human Genetics Tuebingen
Classification: Benign. Last evaluated: 2026-08-01. Review status: criteria provided, single submitter. Criteria: CeGaT Center For Human Genetics Tuebingen Variant Classification Criteria Version 2. Collection method: clinical testing. Allele origin: germline. Affected: yes. Observed: 88 variant alleles.
Comment: KCNQ1: BS1, BS2; KCNQ1OT1: BS1, BS2

Blueprint Genetics
Classification: Benign. Last evaluated: 2024-11-27. Review status: criteria provided, single submitter. Criteria: ACMG Guidelines, 2015. Collection method: clinical testing. Allele origin: germline.

NM_000218.3(KCNQ1):c.1514+3964C>T

Genes: KCNQ1 (potassium voltage-gated channel subfamily Q member 1; plus strand), KCNQ1OT1 (KCNQ1 opposite strand/antisense transcript 1; minus strand). Cytogenetic location: 11p15.5.
Variant type: single nucleotide variant.
Coding change: c.1514+3964C>T on transcript NM_000218.3 (MANE Select); 3964 bases into the intron after coding-DNA position 1514, C replaced by T.
Molecular consequence: intron variant.
Genome position (GRCh38, 1-based): chr11:2,666,045, C>T. VCF-style: chr11-2666045-C-T. GRCh37 (hg19) VCF-style: chr11-2687275-C-T.
Other names: c.1244+3964C>T (NM_001406837.1); c.1418+3964C>T (NM_001406836.1); c.974+3964C>T (NM_001406838.1); c.1133+3964C>T (NM_181798.2).
Identifiers: ClinVar variation 1694613 (VCV001694613.32), dbSNP rs111519469, ClinGen allele CA216174492.